The following is an entry in ClinVar:

ClinVar aggregate classification (germline): Uncertain significance (1 of 4 stars; one submission).

Conditions:
MHC class I deficiency. Identifiers: Orphanet 34592, MedGen C6024714, MONDO:0011476.

Submission:

Labcorp Genetics (formerly Invitae), Labcorp
Classification: Uncertain significance for MHC class I deficiency 1. Last evaluated: 2022-04-07. Review status: criteria provided, single submitter. Criteria: Invitae Variant Classification Sherloc (09022015). Collection method: clinical testing. Allele origin: germline.
Comment: This sequence change affects codon 378 of the TAP2 mRNA. It is a 'silent' change, meaning that it does not change the encoded amino acid sequence of the TAP2 protein. This variant is not present in population databases (gnomAD no frequency). This variant has not been reported in the literature in individuals affected with TAP2-related conditions. Algorithms developed to predict the effect of sequence changes on RNA splicing suggest that this variant may create or strengthen a splice site. In summary, the available evidence is currently insufficient to determine the role of this variant in disease. Therefore, it has been classified as a Variant of Uncertain Significance.

NM_001290043.2(TAP2):c.1134C>G (p.Leu378=)

Gene: TAP2 (transporter 2, ATP binding cassette subfamily B member; minus strand). Cytogenetic location: 6p21.32.
Variant type: single nucleotide variant.
Coding change: c.1134C>G on transcript NM_001290043.2 (MANE Select); coding-DNA position 1134, C replaced by G.
Protein change: p.Leu378=; no amino-acid change (leucine 378 retained).
Molecular consequence: synonymous variant.
Genome position (GRCh38, 1-based): chr6:32,832,636, G>C on the plus strand (C>G on the coding strand, the complement: TAP2 is on the minus strand). VCF-style: chr6-32832636-G-C. GRCh37 (hg19) VCF-style: chr6-32800413-G-C.
Other names: c.1134C>G, p.Leu378= (NM_000544.3, NM_018833.3).
Identifiers: ClinVar variation 2122656 (VCV002122656.2), dbSNP rs749951013, ClinGen allele CA449749581.